The following is an entry in ClinVar:

NM_000384.3(APOB):c.13394del (p.Lys4465fs)

Gene: APOB (apolipoprotein B; minus strand). Cytogenetic location: 2p24.1.
Variant type: Deletion.
Coding change: c.13394del on transcript NM_000384.3 (MANE Select); coding-DNA position 13394, one base deleted (A; older notation c.13394delA).
Protein change: p.Lys4465fs; shifts the reading frame from lysine 4465.
Molecular consequence: frameshift variant.
Genome position (GRCh38, 1-based): chr2:21,002,028, T deleted on the plus strand (A on the coding strand, the reverse complement: APOB is on the minus strand); the first of 2 consecutive T bases (chr2:21,002,028-21,002,029); deleting either gives the same sequence. VCF-style (leftmost placement, unchanged base first): chr2-21002027-CT-C. GRCh37 (hg19) VCF-style: chr2-21224899-CT-C.
Other names: c.13394delA (NM_000384.3); short protein forms K4465fs.
Identifiers: ClinVar variation 4887799 (VCV004887799.1).

ClinVar aggregate classification (germline): Uncertain significance (1 of 4 stars; one submission).

Submission:

Women's Health and Genetics/Laboratory Corporation of America, LabCorp
Classification: Uncertain significance. Last evaluated: 2026-06-19. Review status: criteria provided, single submitter. Criteria: LabCorp Variant Classification Summary - May 2015. Collection method: clinical testing. Allele origin: germline.
Comment: Variant summary: APOB c.13394delA (p.Lys4465ArgfsX12) results in a premature termination codon, predicted to cause a truncation of the encoded protein and escapes NMD. The variant was absent in 250360 control chromosomes (gnomAD). The available data on variant occurrences in the general population are insufficient to allow any conclusion about variant significance. To our knowledge, no occurrence of c.13394delA in individuals affected with APOB-related conditions and no experimental evidence demonstrating its impact on protein function have been reported. No submitters have cited clinical-significance assessments for this variant to ClinVar. Based on the evidence outlined above, the variant was classified as uncertain significance.